The following is an entry in ClinVar:

ClinVar aggregate classification (germline): Likely pathogenic (1 of 4 stars; one submission).

Conditions:
Familial hypokalemia-hypomagnesemia (GTLMNS). Also called: POTASSIUM AND MAGNESIUM DEPLETION; HYPOMAGNESEMIA-HYPOKALEMIA, PRIMARY RENOTUBULAR, WITH HYPOCALCIURIA; gitelman syndrome. Identifiers: Orphanet 358, MedGen C0268450, MONDO:0009904, OMIM 263800.

Submission:

First Genomix Gene Laboratory, Genetic Diagnostics Department
Classification: Likely pathogenic for Familial hypokalemia-hypomagnesemia. Last evaluated: 2025-03-27. Review status: criteria provided, single submitter. Criteria: ACMG Guidelines, 2015. Collection method: clinical testing. Allele origin: germline. Inheritance: Autosomal recessive inheritance. Affected: no. Observed: 1 variant allele.

NM_001126108.2(SLC12A3):c.1811_1817del (p.Ile604fs)

Gene: SLC12A3 (solute carrier family 12 member 3; plus strand). Cytogenetic location: 16q13.
Variant type: Deletion.
Coding change: c.1811_1817del on transcript NM_001126108.2 (MANE Select); coding-DNA positions 1811 to 1817, 7 bases deleted (TCTACAA; older notation c.1811_1817delTCTACAA).
Protein change: p.Ile604fs; shifts the reading frame from isoleucine 604.
Molecular consequence: frameshift variant.
Genome position (GRCh38, 1-based): chr16:56,884,190-56,884,196, TCTACAA deleted; deleting any 7 consecutive bases within chr16:56,884,189-56,884,196 gives the same sequence; the c. name uses the placement nearest the transcript's 3' end. VCF-style (leftmost placement, unchanged base first): chr16-56884188-CATCTACA-C. GRCh37 (hg19) VCF-style: chr16-56918100-CATCTACA-C.
Other names: c.1811_1817del, p.Ile604fs (NM_000339.3); c.1808_1814del, p.Ile603fs (NM_001126107.2, NM_001410896.1); c.1811_1817delTCTACAA (NM_000339.3); short protein forms I603fs, I604fs.
Identifiers: ClinVar variation 4845834 (VCV004845834.1).